The following is an entry in ClinVar:

ClinVar aggregate classification (germline): Benign (1 of 4 stars; one submission).

Allele frequency attached by ClinVar (database versions not stated): TOPMed 0.26533; 1000 Genomes Project 30x 0.28935; 1000 Genomes Project 0.29633.
gnomAD v4.1: 197,170 of 652,160 alleles (30%); highest among the groups gnomAD compares: East Asian, 45%; 31,723 homozygotes.

Submission:

GeneDx
Classification: Benign. Last evaluated: 2018-06-14. Review status: criteria provided, single submitter. Criteria: GeneDx Variant Classification (06012015). Collection method: clinical testing. Allele origin: germline. Affected: yes.
Comment: This variant is considered likely benign or benign based on one or more of the following criteria: it is a conservative change, it occurs at a poorly conserved position in the protein, it is predicted to be benign by multiple in silico algorithms, and/or has population frequency not consistent with disease.

NM_006129.5(BMP1):c.1077+148G>C

Gene: BMP1 (bone morphogenetic protein 1; plus strand). Cytogenetic location: 8p21.3.
Variant type: single nucleotide variant.
Coding change: c.1077+148G>C on transcript NM_006129.5 (MANE Select); 148 bases into the intron after coding-DNA position 1077, G replaced by C.
Molecular consequence: intron variant.
Genome position (GRCh38, 1-based): chr8:22,180,631, G>C. VCF-style: chr8-22180631-G-C. GRCh37 (hg19) VCF-style: chr8-22038144-G-C.
Other names: c.1077+148G>C (NM_001199.4).
Identifiers: ClinVar variation 680492 (VCV000680492.1), dbSNP rs79378486, ClinGen allele CA12786527.